The following is an entry in ClinVar:

NM_020706.2(SCAF4):c.1978_1989del (p.Lys660_Pro663del)

Gene: SCAF4 (SR-related CTD associated factor 4; minus strand). Cytogenetic location: 21q22.11.
Variant type: Deletion.
Coding change: c.1978_1989del on transcript NM_020706.2 (MANE Select); coding-DNA positions 1978 to 1989, 12 bases deleted (AAACCATTACCT).
Protein change: p.Lys660_Pro663del.
Genome position (GRCh38, 1-based): chr21:31,688,361-31,688,372, AGGTAATGGTTT deleted on the plus strand (AAACCATTACCT on the coding strand, the reverse complement: SCAF4 is on the minus strand); deleting any 12 consecutive bases within chr21:31,688,361-31,688,377 gives the same sequence; the c. name uses the placement nearest the transcript's 3' end. VCF-style (leftmost placement, unchanged base first): chr21-31688360-CAGGTAATGGTTT-C. GRCh37 (hg19) VCF-style: chr21-33060673-CAGGTAATGGTTT-C.
Other names: c.1933_1944del, p.Lys645_Pro648del (NM_001145444.1); c.1978_1989del, p.Lys660_Pro663del (NM_001145445.1); c.1978_1989del12 (NM_020706.2).
Identifiers: ClinVar variation 5029050 (VCV005029050.1).

ClinVar aggregate classification (germline): Uncertain significance (1 of 4 stars; one submission).

Conditions:
Inborn genetic diseases. Identifiers: MedGen C0950123, MeSH D030342.

Submission:

Ambry Genetics
Classification: Uncertain significance for Inborn genetic diseases. Last evaluated: 2026-07-27. Review status: criteria provided, single submitter. Criteria: Ambry Variant Classification Scheme 2023. Collection method: clinical testing. Allele origin: germline.
Comment: The c.1978_1989del12 (p.K660_P663del) alteration is located in exon 16 (coding exon 16) of the SCAF4 gene. This alteration consists of an in-frame deletion of 12 nucleotides between nucleotide positions c.1978 and c.1989, resulting in the deletion of 4 residues. This variant was not reported in population-based cohorts in the Genome Aggregation Database (gnomAD). Based on insufficient or conflicting evidence, the clinical significance of this alteration remains unclear.